The following is an entry in ClinVar:

NM_015015.3(KDM4B):c.207G>A (p.Pro69=)

Gene: KDM4B (lysine demethylase 4B; plus strand). Cytogenetic location: 19p13.3.
Variant type: single nucleotide variant.
Coding change: c.207G>A on transcript NM_015015.3 (MANE Select); coding-DNA position 207, G replaced by A.
Protein change: p.Pro69=; no amino-acid change (proline 69 retained).
Molecular consequence: synonymous variant.
Genome position (GRCh38, 1-based): chr19:5,039,901, G>A. VCF-style: chr19-5039901-G-A. GRCh37 (hg19) VCF-style: chr19-5039912-G-A.
Other names: c.207G>A, p.Pro69= (NM_001370093.1, NM_001370094.1, NM_001411148.1).
Identifiers: ClinVar variation 2649087 (VCV002649087.24), dbSNP rs779243475, ClinGen allele CA9107260.

ClinVar aggregate classification (germline): Likely benign (1 of 4 stars; one submission).

Allele frequency attached by ClinVar (database versions not stated): ExAC 0.00001; TOPMed 0.00001.
gnomAD v4.1: 12 of 1,612,982 alleles (0.00074%); highest among the groups gnomAD compares: South Asian, 0.0022%; 1 homozygote.

Submission:

CeGaT Center for Human Genetics Tuebingen
Classification: Likely benign. Last evaluated: 2023-02-01. Review status: criteria provided, single submitter. Criteria: CeGaT Center For Human Genetics Tuebingen Variant Classification Criteria Version 2. Collection method: clinical testing. Allele origin: germline. Affected: yes. Observed: 1 variant allele.
Comment: KDM4B: BP4, BP7